The following is an entry in ClinVar:

ClinVar aggregate classification (germline): Uncertain significance (1 of 4 stars; one submission).

Allele frequency attached by ClinVar (database versions not stated): 1000 Genomes Project 30x 0.00016; 1000 Genomes Project 0.00020; gnomAD 0.00026; TOPMed 0.00028; ESP Exome Variant Server 0.00038.
gnomAD v4.1: 115 of 1,612,028 alleles (0.0071%); highest among the groups gnomAD compares: African/African-American, 0.056%; no homozygotes.

Submission:

Labcorp Genetics (formerly Invitae), Labcorp
Classification: Uncertain significance. Last evaluated: 2024-07-10. Review status: criteria provided, single submitter. Criteria: Invitae Variant Classification Sherloc (09022015). Collection method: clinical testing. Allele origin: germline.
Comment: This sequence change replaces valine, which is neutral and non-polar, with isoleucine, which is neutral and non-polar, at codon 183 of the TIMMDC1 protein (p.Val183Ile). This variant is present in population databases (rs146874731, gnomAD 0.05%). This variant has not been reported in the literature in individuals affected with TIMMDC1-related conditions. ClinVar contains an entry for this variant (Variation ID: 2171277). Advanced modeling of protein sequence and biophysical properties (such as structural, functional, and spatial information, amino acid conservation, physicochemical variation, residue mobility, and thermodynamic stability) performed at Invitae indicates that this missense variant is not expected to disrupt TIMMDC1 protein function with a negative predictive value of 80%. In summary, the available evidence is currently insufficient to determine the role of this variant in disease. Therefore, it has been classified as a Variant of Uncertain Significance.

NM_016589.4(TIMMDC1):c.547G>A (p.Val183Ile)

Gene: TIMMDC1 (translocase of inner mitochondrial membrane domain containing 1; plus strand). Cytogenetic location: 3q13.33.
Variant type: single nucleotide variant.
Coding change: c.547G>A on transcript NM_016589.4 (MANE Select); coding-DNA position 547, G replaced by A.
Protein change: p.Val183Ile; replaces valine 183 with isoleucine.
Molecular consequence: missense variant.
Genome position (GRCh38, 1-based): chr3:119,513,670, G>A. VCF-style: chr3-119513670-G-A. GRCh37 (hg19) VCF-style: chr3-119232517-G-A.
Other names: short protein forms V183I.
Identifiers: ClinVar variation 2171277 (VCV002171277.3), dbSNP rs146874731, ClinGen allele CA2555281.
Genomic context (GRCh38, chr3:119,513,670, plus strand): 5'-ATTTAATATTGCCTTTCTTGTTTTTAAATAGCTGTCACGGGAAGTCTTTTTAGGATAAAC[G>A]TAGGCCTGCGTGGCCTGGTGGCTGGTGGCATAATTGGAGCCTTGCTGGGGTAAGCATTAA-3'
Protein context (NP_057673.2, residues 173-193): AVTGSLFRIN[Val183Ile]GLRGLVAGGI